The following is an entry in ClinVar:

ClinVar aggregate classification (germline): Benign/Likely benign. Review status: criteria provided, multiple submitters, no conflicts (2 of 4 stars). 13 submissions from 13 submitters: Benign (4); Likely benign (6). 3 of the submissions do not count toward it. Last evaluated 2026-01-21.

Conditions:
Dystrophin deficiency.
Duchenne muscular dystrophy (DMD). Also called: MUSCULAR DYSTROPHY, PSEUDOHYPERTROPHIC PROGRESSIVE, DUCHENNE TYPE; Duchenne Muscular Dystrophy (DMD). Identifiers: Orphanet 98896, MedGen C0013264, MONDO:0010679, OMIM 310200.
Cardiomyopathy (CMYO). Also called: Cardiomyopathies. Identifiers: Orphanet 167848, MedGen C0878544, MONDO:0004994, HP:0001638. Inheritance: Various modes of inheritance.
Becker muscular dystrophy (BMD). Also called: MUSCULAR DYSTROPHY, PSEUDOHYPERTROPHIC PROGRESSIVE, BECKER TYPE; Becker Muscular Dystrophy (BMD). Identifiers: Orphanet 98895, MedGen C0917713, MONDO:0010311, OMIM 300376.
Cardiovascular phenotype. Identifiers: MedGen CN230736.
Dilated cardiomyopathy 3B (CMD3B). Also called: CMD3B: DMD-Related Dilated Cardiomyopathy; CARDIOMYOPATHY, DILATED, X-LINKED; DMD-Associated Dilated Cardiomyopathy. Identifiers: Orphanet 154, MedGen C3668940, MONDO:0010542, OMIM 302045.

Allele frequency attached by ClinVar (database versions not stated): gnomAD 0.00014 and 0.00023; gnomAD exomes 0.00020 and 0.00040; TOPMed 0.00020; ExAC 0.00042; 1000 Genomes Project 0.00159; 1000 Genomes Project 30x 0.00187.
gnomAD v4.1: 255 of 1,210,129 alleles (0.021%); highest among the groups gnomAD compares: East Asian, 0.5%; 1 homozygote.

Submissions (13):

Labcorp Genetics (formerly Invitae), Labcorp
Classification: Benign for Duchenne muscular dystrophy. Last evaluated: 2026-01-21. Review status: criteria provided, single submitter. Criteria: Invitae Variant Classification Sherloc (09022015). Collection method: clinical testing. Allele origin: germline.

Laboratory of Genetics, Children's Clinical University Hospital Latvia
Classification: Likely benign. Last evaluated: 2025-02-16. Review status: criteria provided, single submitter. Criteria: ACMG Guidelines, 2015. Collection method: clinical testing. Allele origin: germline. Affected: yes.

Blueprint Genetics
Classification: Likely benign. Last evaluated: 2024-10-02. Review status: criteria provided, single submitter. Criteria: ACMG Guidelines, 2015. Collection method: clinical testing. Allele origin: germline.

Women's Health and Genetics/Laboratory Corporation of America, LabCorp
Classification: Likely benign. Last evaluated: 2023-08-19. Review status: criteria provided, single submitter. Criteria: LabCorp Variant Classification Summary - May 2015. Collection method: clinical testing. Allele origin: germline.

CeGaT Center for Human Genetics Tuebingen
Classification: Likely benign. Last evaluated: 2023-01-01. Review status: criteria provided, single submitter. Criteria: CeGaT Center For Human Genetics Tuebingen Variant Classification Criteria Version 2. Collection method: clinical testing. Allele origin: germline. Affected: yes. Observed: 1 variant allele.
Comment: DMD: BS2

GeneDx
Classification: Benign. Last evaluated: 2020-03-13. Review status: criteria provided, single submitter. Criteria: GeneDx Variant Classification Process June 2021. Collection method: clinical testing. Allele origin: germline. Affected: yes.
Comment: This variant is associated with the following publications: (PMID: 29349559)

ARUP Laboratories, Molecular Genetics and Genomics, ARUP Laboratories
Classification: Likely benign. Last evaluated: 2019-04-18. Review status: criteria provided, single submitter. Criteria: ARUP Molecular Germline Variant Investigation Process. Collection method: clinical testing. Allele origin: germline.

Illumina Laboratory Services, Illumina
Classification: Likely benign for Dilated cardiomyopathy 3B. Last evaluated: 2018-01-12. Review status: criteria provided, single submitter. Criteria: ICSL Variant Classification Criteria 13 December 2019. Collection method: clinical testing. Allele origin: germline.
Comment: This variant was observed in the ICSL laboratory as part of a predisposition screen in an ostensibly healthy population. It had not been previously curated by ICSL or reported in the Human Gene Mutation Database (HGMD: prior to June 1st, 2018), and was therefore a candidate for classification through an automated scoring system. Utilizing variant allele frequency, disease prevalence and penetrance estimates, and inheritance mode, an automated score was calculated to assess if this variant is too frequent to cause the disease. Based on the score and internal cut-off values, a variant classified as likely benign is not then subjected to further curation. The score for this variant resulted in a classification of likely benign for this disease.

Ambry Genetics
Classification: Benign for Cardiovascular phenotype. Last evaluated: 2017-04-28. Review status: criteria provided, single submitter. Criteria: Ambry Variant Classification Scheme 2023. Collection method: clinical testing. Allele origin: germline.

Eurofins Ntd Llc (ga)
Classification: Benign. Last evaluated: 2016-01-14. Review status: criteria provided, single submitter. Criteria: EGL Classification Definitions 2015. Collection method: clinical testing. Allele origin: germline. Observed: 3 variant alleles, 1 heterozygote, 2 hemizygotes.

Natera, Inc.
Classification: Likely benign for Becker muscular dystrophy; Cardiomyopathy; Duchenne muscular dystrophy; Dystrophin deficiency. Last evaluated: 2019-08-02. Review status: no assertion criteria provided. Collection method: clinical testing. Allele origin: germline. Not counted in ClinVar's aggregate classification.

Clinical Genetics DNA and cytogenetics Diagnostics Lab, Erasmus MC, Erasmus Medical Center
Classification: Likely benign. Review status: no assertion criteria provided. Collection method: clinical testing. Allele origin: germline. Affected: yes. Study: VKGL Data-share Consensus. Not counted in ClinVar's aggregate classification.

Genome Diagnostics Laboratory, University Medical Center Utrecht
Classification: Likely benign. Review status: no assertion criteria provided. Collection method: clinical testing. Allele origin: germline. Affected: yes. Study: VKGL Data-share Consensus. Not counted in ClinVar's aggregate classification.

NM_004006.3(DMD):c.7151C>A (p.Ser2384Tyr)

Gene: DMD (dystrophin; minus strand). Cytogenetic location: Xp21.1.
Variant type: single nucleotide variant.
Coding change: c.7151C>A on transcript NM_004006.3 (MANE Select); coding-DNA position 7151, C replaced by A.
Protein change: p.Ser2384Tyr; replaces serine 2384 with tyrosine.
Molecular consequence: missense variant. On other transcripts: 5 prime UTR variant (5).
Genome position (GRCh38, 1-based): chrX:31,836,767, G>T on the plus strand (C>A on the coding strand, the complement: DMD is on the minus strand). VCF-style: chrX-31836767-G-T. GRCh37 (hg19) VCF-style: chrX-31854884-G-T.
Other names: c.7127C>A, p.Ser2376Tyr (NM_000109.4); c.7139C>A, p.Ser2380Tyr (NM_004009.3); c.6782C>A, p.Ser2261Tyr (NM_004010.3); c.3128C>A, p.Ser1043Tyr (NM_004011.4); c.3119C>A, p.Ser1040Tyr (NM_004012.4); c.-230C>A (NM_004013.3, NM_004020.4, NM_004021.3 and 2 more transcripts); short protein forms S2261Y, S1040Y, S1043Y, S2376Y, S2380Y.
Identifiers: ClinVar variation 94756 (VCV000094756.68), dbSNP rs185706283, ClinGen allele CA222485.